The following is an entry in ClinVar:

NM_000531.6(OTC):c.814G>A (p.Glu272Lys)

Gene: OTC (ornithine transcarbamylase; plus strand). Cytogenetic location: Xp11.4.
Variant type: single nucleotide variant.
Coding change: c.814G>A on transcript NM_000531.6 (MANE Select); coding-DNA position 814, G replaced by A.
Protein change: p.Glu272Lys; replaces glutamic acid 272 with lysine.
Molecular consequence: missense variant.
Genome position (GRCh38, 1-based): chrX:38,408,972, G>A. VCF-style: chrX-38408972-G-A. GRCh37 (hg19) VCF-style: chrX-38268225-G-A.
Other names: short protein forms E272K.
Identifiers: ClinVar variation 913762 (VCV000913762.5), dbSNP rs2068530106, ClinGen allele CA412723261.

ClinVar aggregate classification (germline): Uncertain significance. Review status: criteria provided, multiple submitters, no conflicts (2 of 4 stars). 2 submissions from 2 submitters: Uncertain significance (2). Last evaluated 2023-12-13.

Conditions:
Ornithine carbamoyltransferase deficiency (OTCD). Also called: OTC DEFICIENCY; ORNITHINE TRANSCARBAMYLASE DEFICIENCY; ORNITHINE TRANSCARBAMYLASE DEFICIENCY, HYPERAMMONEMIA DUE TO; Ornithine Carbamoyltransferase Deficiency Disease. Identifiers: Orphanet 664, MedGen C0268542, MONDO:0010703, OMIM 311250.

Allele frequency attached by ClinVar (database versions not stated): gnomAD exomes below 0.00001; TOPMed 0.00001.
gnomAD v4.1: 2 of 1,209,213 alleles (0.00017%); highest among the groups gnomAD compares: Non-Finnish European, 0.00022%; no homozygotes.

Submissions (2):

All of Us Research Program, National Institutes of Health
Classification: Uncertain significance for Ornithine carbamoyltransferase deficiency. Last evaluated: 2023-12-13. Review status: criteria provided, single submitter. Criteria: ACMG Guidelines, 2015. Collection method: clinical testing. Allele origin: germline. Inheritance: X-linked inheritance. Observed: 1 variant allele, 1 heterozygote.
Comment: This missense variant replaces glutamic acid with lysine at codon 272 of the OTC protein. Computational prediction is inconclusive regarding the impact of this variant on protein structure and function (internally defined REVEL score threshold 0.5 < inconclusive < 0.7, PMID: 27666373). To our knowledge, functional studies have not been reported for this variant. This variant has not been reported in individuals affected with OTC-related disorders in the literature. This variant has not been identified in the general population by the Genome Aggregation Database (gnomAD). The available evidence is insufficient to determine the role of this variant in disease conclusively. Therefore, this variant is classified as a Variant of Uncertain Significance.

This study involves interpretation of variants in research participants for the purpose of population health screening. Participant phenotype was not available at the time of variant classification. Additional details can be found in publication PMID: 35346344, PMCID: PMC8962531

Illumina Laboratory Services, Illumina
Classification: Uncertain significance for Ornithine carbamoyltransferase deficiency. Last evaluated: 2017-04-27. Review status: criteria provided, single submitter. Criteria: ICSL Variant Classification Criteria 13 December 2019. Collection method: clinical testing. Allele origin: germline.